The following is an entry in ClinVar:

ClinVar aggregate classification (germline): Likely benign (0 of 4 stars; one submission).

Conditions:
HUWE1-related disorder. Also called: HUWE1-related condition.

gnomAD v4.1: 5 of 1,210,406 alleles (0.00041%); highest among the groups gnomAD compares: Non-Finnish European, 0.00034%; no homozygotes.

Submissions (2):

PreventionGenetics, part of Exact Sciences
Classification: Likely benign for HUWE1-related condition. Last evaluated: 2024-05-10. Review status: no assertion criteria provided. Collection method: clinical testing. Allele origin: germline.
Comment: This variant is classified as likely benign based on ACMG/AMP sequence variant interpretation guidelines (Richards et al. 2015 PMID: 25741868, with internal and published modifications).

Dr. Peter K. Rogan Lab, Western University
No classification provided (evidence only). Condition: Sarcoma. Review status: no classification provided. Collection method: in vitro. Allele origin: not applicable. Functional consequence: retained intron. Not counted in ClinVar's aggregate classification.

NM_031407.7(HUWE1):c.8751-6C>G

Gene: HUWE1 (HECT, UBA and WWE domain containing E3 ubiquitin protein ligase 1; minus strand). Cytogenetic location: Xp11.22.
Variant type: single nucleotide variant.
Coding change: c.8751-6C>G on transcript NM_031407.7 (MANE Select); 6 bases into the intron before coding-DNA position 8751, C replaced by G.
Molecular consequence: intron variant.
Genome position (GRCh38, 1-based): chrX:53,552,447, G>C on the plus strand (C>G on the coding strand, the complement: HUWE1 is on the minus strand). VCF-style: chrX-53552447-G-C. GRCh37 (hg19) VCF-style: chrX-53579408-G-C.
Other names: NC_000023.10:g.53579408G>C.
Identifiers: ClinVar variation 3354512 (VCV003354512.2).